The following is an entry in ClinVar:

NM_020117.11(LARS1):c.3089C>T (p.Ser1030Leu)

Gene: LARS1 (leucyl-tRNA synthetase 1; minus strand). Cytogenetic location: 5q32.
Variant type: single nucleotide variant.
Coding change: c.3089C>T on transcript NM_020117.11 (MANE Select); coding-DNA position 3089, C replaced by T.
Protein change: p.Ser1030Leu; replaces serine 1030 with leucine.
Molecular consequence: missense variant.
Genome position (GRCh38, 1-based): chr5:146,123,989, G>A on the plus strand (C>T on the coding strand, the complement: LARS1 is on the minus strand). VCF-style: chr5-146123989-G-A. GRCh37 (hg19) VCF-style: chr5-145503552-G-A.
Other names: c.2951C>T, p.Ser984Leu (NM_001317964.2); c.2927C>T, p.Ser976Leu (NM_001317965.2); c.3008C>T, p.Ser1003Leu (NM_016460.4); c.3089C>T (NM_020117.10, NM_020117.9); short protein forms S976L, S984L, S1003L, S1030L.
Identifiers: ClinVar variation 1940506 (VCV001940506.8), dbSNP rs367974584, ClinGen allele CA3489137.
Genomic context (GRCh38, chr5:146,123,989, plus strand): 5'-GGATTATGGTTTAACTACAGTTAACTGGTTATTACAATCCCTGGCCCTCTTACCTCAAGC[G>A]AATTAGTCAGATAGACTATATTCTCCATAAGCACAGCCTTTTCATCAAATTCTAATTGCA-3'
Protein context (NP_064502.9, residues 1020-1040): LMENIVYLTN[Ser1030Leu]LELEHIEVKF

ClinVar aggregate classification (germline): Uncertain significance. Review status: criteria provided, multiple submitters, no conflicts (2 of 4 stars). 4 submissions from 4 submitters: Uncertain significance (4). Last evaluated 2025-08-06.

Conditions:
LARS1-related disorder. Also called: LARS1-related condition.

Allele frequency attached by ClinVar (database versions not stated): gnomAD 0.00001; TOPMed 0.00002; ExAC 0.00006; ESP Exome Variant Server 0.00008.
gnomAD v4.1: 82 of 1,587,952 alleles (0.0052%); highest among the groups gnomAD compares: Middle Eastern, 0.27%; no homozygotes.

Submissions (4):

Ambry Genetics
Classification: Uncertain significance. Last evaluated: 2025-08-06. Review status: criteria provided, single submitter. Criteria: Ambry Variant Classification Scheme 2023. Collection method: clinical testing. Allele origin: germline.

Labcorp Genetics (formerly Invitae), Labcorp
Classification: Uncertain significance. Last evaluated: 2024-09-06. Review status: criteria provided, single submitter. Criteria: Invitae Variant Classification Sherloc (09022015). Collection method: clinical testing. Allele origin: germline.
Comment: This sequence change replaces serine, which is neutral and polar, with leucine, which is neutral and non-polar, at codon 1030 of the LARS protein (p.Ser1030Leu). This variant is present in population databases (rs367974584, gnomAD 0.02%). This variant has not been reported in the literature in individuals affected with LARS-related conditions. ClinVar contains an entry for this variant (Variation ID: 1940506). Invitae Evidence Modeling of protein sequence and biophysical properties (such as structural, functional, and spatial information, amino acid conservation, physicochemical variation, residue mobility, and thermodynamic stability) indicates that this missense variant is not expected to disrupt LARS protein function with a negative predictive value of 80%. In summary, the available evidence is currently insufficient to determine the role of this variant in disease. Therefore, it has been classified as a Variant of Uncertain Significance.

GeneDx
Classification: Uncertain significance. Last evaluated: 2024-09-05. Review status: criteria provided, single submitter. Criteria: GeneDx Variant Classification Process June 2021. Collection method: clinical testing. Allele origin: germline. Affected: yes.
Comment: In silico analysis supports that this missense variant has a deleterious effect on protein structure/function; Has not been previously published as pathogenic or benign to our knowledge

PreventionGenetics, part of Exact Sciences
Classification: Uncertain significance for LARS1-related condition. Last evaluated: 2023-06-27. Review status: criteria provided, single submitter. Criteria: ACMG Guidelines, 2015. Collection method: clinical testing. Allele origin: germline.
Comment: The LARS1 c.3089C>T variant is predicted to result in the amino acid substitution p.Ser1030Leu. To our knowledge, this variant has not been reported in the literature. This variant is reported in 0.020% of alleles in individuals of South Asian descent in gnomAD. At this time, the clinical significance of this variant is uncertain due to the absence of conclusive functional and genetic evidence.